The following is an entry in ClinVar:

ClinVar aggregate classification (germline): Likely benign (1 of 4 stars; one submission).

Allele frequency attached by ClinVar (database versions not stated): ExAC 0.00001; gnomAD exomes 0.00001.
gnomAD v4.1: 3 of 1,614,042 alleles (0.00019%); highest among the groups gnomAD compares: Non-Finnish European, 0.00025%; no homozygotes.

Submission:

CeGaT Center for Human Genetics Tuebingen
Classification: Likely benign. Last evaluated: 2026-01-01. Review status: criteria provided, single submitter. Criteria: CeGaT Center For Human Genetics Tuebingen Variant Classification Criteria Version 2. Collection method: clinical testing. Allele origin: germline. Affected: yes. Observed: 2 variant alleles.
Comment: FAT4: BP4, BP7

NM_001291303.3(FAT4):c.6408A>G (p.Ser2136=)

Gene: FAT4 (FAT atypical cadherin 4; plus strand). Cytogenetic location: 4q28.1.
Variant type: single nucleotide variant.
Coding change: c.6408A>G on transcript NM_001291303.3 (MANE Select); coding-DNA position 6408, A replaced by G.
Protein change: p.Ser2136=; no amino-acid change (serine 2136 retained).
Molecular consequence: synonymous variant.
Genome position (GRCh38, 1-based): chr4:125,415,371, A>G. VCF-style: chr4-125415371-A-G. GRCh37 (hg19) VCF-style: chr4-126336526-A-G.
Other names: c.6408A>G, p.Ser2136= (NM_001291285.3, NM_024582.6).
Identifiers: ClinVar variation 1675960 (VCV001675960.33), dbSNP rs760022203, ClinGen allele CA3072911.